The following is an entry in ClinVar:

ClinVar aggregate classification (germline): Likely benign. Review status: criteria provided, single submitter (1 of 4 stars). 2 submissions from 2 submitters: Likely benign (1). 1 of the submissions does not count toward it. Last evaluated 2024-02-17.

Conditions:
INPPL1-related disorder. Also called: INPPL1-related condition.

Allele frequency attached by ClinVar (database versions not stated): gnomAD exomes 0.00004 and 0.00010; TOPMed 0.00006; ESP Exome Variant Server 0.00008; gnomAD 0.00009; ExAC 0.00011.
gnomAD v4.1: 71 of 1,613,706 alleles (0.0044%); highest among the groups gnomAD compares: Middle Eastern, 0.066%; no homozygotes.

Submissions (2):

Labcorp Genetics (formerly Invitae), Labcorp
Classification: Likely benign. Last evaluated: 2024-02-17. Review status: criteria provided, single submitter. Criteria: Invitae Variant Classification Sherloc (09022015). Collection method: clinical testing. Allele origin: germline.

PreventionGenetics, part of Exact Sciences
Classification: Likely benign for INPPL1-related condition. Last evaluated: 2019-06-05. Review status: no assertion criteria provided. Collection method: clinical testing. Allele origin: germline. Not counted in ClinVar's aggregate classification.
Comment: This variant is classified as likely benign based on ACMG/AMP sequence variant interpretation guidelines (Richards et al. 2015 PMID: 25741868, with internal and published modifications).

NM_001567.4(INPPL1):c.1431C>T (p.Gly477=)

Gene: INPPL1 (inositol polyphosphate phosphatase like 1; plus strand). Cytogenetic location: 11q13.4.
Variant type: single nucleotide variant.
Coding change: c.1431C>T on transcript NM_001567.4 (MANE Select); coding-DNA position 1431, C replaced by T.
Protein change: p.Gly477=; no amino-acid change (glycine 477 retained).
Molecular consequence: synonymous variant.
Genome position (GRCh38, 1-based): chr11:72,231,123, C>T. VCF-style: chr11-72231123-C-T. GRCh37 (hg19) VCF-style: chr11-71942167-C-T.
Other names: c.1431C>T (NM_001567.3).
Identifiers: ClinVar variation 1552621 (VCV001552621.10), dbSNP rs374378161, ClinGen allele CA6170020.